The following is an entry in ClinVar:

ClinVar aggregate classification (germline): Conflicting classifications of pathogenicity. Review status: criteria provided, conflicting classifications (1 of 4 stars). 3 submissions from 3 submitters: Pathogenic (1); Likely pathogenic (1); Uncertain significance (1). Last evaluated 2024-01-03.

Conditions:
CNGA3-related disorders.

Allele frequency attached by ClinVar (database versions not stated): TOPMed 0.00002.
gnomAD v4.1: 33 of 1,614,038 alleles (0.002%); highest among the groups gnomAD compares: African/African-American, 0.0027%; no homozygotes.

Submissions (3):

Labcorp Genetics (formerly Invitae), Labcorp
Classification: Pathogenic. Last evaluated: 2024-01-03. Review status: criteria provided, single submitter. Criteria: Invitae Variant Classification Sherloc (09022015). Collection method: clinical testing. Allele origin: germline.
Comment: This sequence change replaces isoleucine, which is neutral and non-polar, with threonine, which is neutral and polar, at codon 571 of the CNGA3 protein (p.Ile571Thr). This variant is present in population databases (rs750456621, gnomAD 0.002%). This missense change has been observed in individual(s) with CNGA3-related conditions (PMID: 32869108). It has also been observed to segregate with disease in related individuals. ClinVar contains an entry for this variant (Variation ID: 289061). Advanced modeling of protein sequence and biophysical properties (such as structural, functional, and spatial information, amino acid conservation, physicochemical variation, residue mobility, and thermodynamic stability) performed at Invitae indicates that this missense variant is expected to disrupt CNGA3 protein function with a positive predictive value of 80%. This variant disrupts the p.Ile571 amino acid residue in CNGA3. Other variant(s) that disrupt this residue have been determined to be pathogenic (Invitae). This suggests that this residue is clinically significant, and that variants that disrupt this residue are likely to be disease-causing. For these reasons, this variant has been classified as Pathogenic.

Blueprint Genetics
Classification: Likely pathogenic for CNGA3-related disorders. Last evaluated: 2022-11-18. Review status: criteria provided, single submitter. Criteria: ACMG Guidelines, 2015. Collection method: clinical testing. Allele origin: germline. Affected: yes. Observed: 3 variant alleles.

Eurofins Ntd Llc (ga)
Classification: Uncertain significance. Last evaluated: 2016-07-12. Review status: criteria provided, single submitter. Criteria: EGL Classification Definitions 2015. Collection method: clinical testing. Allele origin: germline. Observed: 1 variant allele, 1 heterozygote.

Literature cited by the submitters: PubMed 32869108 (cited by Labcorp Genetics (formerly Invitae), Labcorp).

NM_001298.3(CNGA3):c.1712T>C (p.Ile571Thr)

Gene: CNGA3 (cyclic nucleotide gated channel subunit alpha 3; plus strand). Cytogenetic location: 2q11.2.
Variant type: single nucleotide variant.
Coding change: c.1712T>C on transcript NM_001298.3 (MANE Select); coding-DNA position 1712, T replaced by C.
Protein change: p.Ile571Thr; replaces isoleucine 571 with threonine.
Molecular consequence: missense variant.
Genome position (GRCh38, 1-based): chr2:98,396,882, T>C. VCF-style: chr2-98396882-T-C. GRCh37 (hg19) VCF-style: chr2-99013345-T-C.
Other names: c.1658T>C, p.Ile553Thr (NM_001079878.2); short protein forms I571T, I553T.
Identifiers: ClinVar variation 289061 (VCV000289061.13), dbSNP rs750456621, ClinGen allele CA1794076.